The following is an entry in ClinVar:

NM_006208.3(ENPP1):c.1068G>A (p.Trp356Ter)

Gene: ENPP1 (ectonucleotide pyrophosphatase/phosphodiesterase 1; plus strand). Cytogenetic location: 6q23.2.
Variant type: single nucleotide variant.
Coding change: c.1068G>A on transcript NM_006208.3 (MANE Select); coding-DNA position 1068, G replaced by A.
Protein change: p.Trp356Ter; replaces tryptophan 356 with a stop codon.
Molecular consequence: nonsense.
Genome position (GRCh38, 1-based): chr6:131,864,548, G>A. VCF-style: chr6-131864548-G-A. GRCh37 (hg19) VCF-style: chr6-132185688-G-A.
Other names: short protein forms W356*.
Identifiers: ClinVar variation 692042 (VCV000692042.1), dbSNP rs756541266, ClinGen allele CA4002087.

ClinVar aggregate classification (germline): Pathogenic (1 of 4 stars; one submission).

Conditions:
Coronary sclerosis, medial, of infancy. Identifiers: MedGen C1859728.

Allele frequency attached by ClinVar (database versions not stated): gnomAD exomes below 0.00001 and 0.00001; gnomAD 0.00001; TOPMed 0.00001; ExAC 0.00003.
gnomAD v4.1: 7 of 1,609,536 alleles (0.00043%); highest among the groups gnomAD compares: Non-Finnish European, 0.00051%; no homozygotes.

Submission:

Rady Children's Institute for Genomic Medicine, Rady Children's Hospital San Diego
Classification: Pathogenic for CORONARY SCLEROSIS, MEDIAL, OF INFANCY. Last evaluated: 2018-07-17. Review status: criteria provided, single submitter. Criteria: ACMG Guidelines, 2015. Collection method: clinical testing. Allele origin: germline. Affected: yes. Observed: 1 variant allele.
Comment: This nonsense variant found in exon 10 of 25 is predicted to result in loss of normal protein function. This variant has not been previously reported or functionally characterized in the literature to our knowledge, but nonsense variants are reported in the literature in individuals affected with generalized arterial calcification of infancy (PMID: 12881724). It is present in the heterozygous state in the gnomAD population database at a frequency of 0.001%, and thus is presumed to be rare. The c.1068G>A, p.Trp356Ter variant is predicted by multiple in silico tools to have a deleterious effect on protein function. Based on the available evidence, the c.1025G>T, p.Gly342Val variant is classified as Pathogenic.